The following is an entry in ClinVar:

ClinVar aggregate classification (germline): Conflicting classifications of pathogenicity. Review status: criteria provided, conflicting classifications (1 of 4 stars). 2 submissions from 2 submitters: Uncertain significance (1); Likely benign (1). Last evaluated 2024-10-12.

Conditions:
Hereditary pheochromocytoma and paraganglioma. Also called: Hereditary Paraganglioma-Pheochromocytoma Syndromes; Hereditary pheochromocytoma-paraganglioma; Hereditary paragangliomas and pheochromocytomas. Identifiers: Orphanet 29072, MedGen C4274332, MONDO:0017366.

Submissions (2):

Labcorp Genetics (formerly Invitae), Labcorp
Classification: Uncertain significance for Hereditary pheochromocytoma and paraganglioma. Last evaluated: 2024-10-12. Review status: criteria provided, single submitter. Criteria: Invitae Variant Classification Sherloc (09022015). Collection method: clinical testing. Allele origin: germline.
Comment: This sequence change affects codon 166 of the SDHAF2 mRNA. It is a 'silent' change, meaning that it does not change the encoded amino acid sequence of the SDHAF2 protein. This variant is not present in population databases (gnomAD no frequency). This variant has not been reported in the literature in individuals affected with SDHAF2-related conditions. Algorithms developed to predict the effect of sequence changes on RNA splicing suggest that this variant may create or strengthen a splice site. In summary, the available evidence is currently insufficient to determine the role of this variant in disease. Therefore, it has been classified as a Variant of Uncertain Significance.

Blueprint Genetics
Classification: Likely benign. Last evaluated: 2022-11-28. Review status: criteria provided, single submitter. Criteria: ACMG Guidelines, 2015. Collection method: clinical testing. Allele origin: germline.

NM_017841.4(SDHAF2):c.498T>G (p.Arg166=)

Gene: SDHAF2 (succinate dehydrogenase complex assembly factor 2; plus strand). Cytogenetic location: 11q12.2.
Variant type: single nucleotide variant.
Coding change: c.498T>G on transcript NM_017841.4 (MANE Select); coding-DNA position 498, T replaced by G.
Protein change: p.Arg166=; no amino-acid change (arginine 166 retained).
Molecular consequence: synonymous variant.
Genome position (GRCh38, 1-based): chr11:61,446,068, T>G. VCF-style: chr11-61446068-T-G. GRCh37 (hg19) VCF-style: chr11-61213540-T-G.
Identifiers: ClinVar variation 3722753 (VCV003722753.3).
Genomic context (GRCh38, chr11:61,446,068, plus strand): 5'-CAAAAACAAAGAGCAGAGACTGCGTGCCCCAGATCTTGAGTACCTCTTTGAAAAGCCACG[T>G]TGAGCTGTGCTCCACGGCCTGGCATGGGGGTTCAGTCTGTGGATGGTAACTACTTATGAT-3'
Protein context (NP_060311.1, residues 156-166): PDLEYLFEKP[Arg166=]